The following is an entry in ClinVar:

ClinVar aggregate classification (germline): Uncertain significance (1 of 4 stars; one submission).

Submission:

GeneDx
Classification: Uncertain significance. Last evaluated: 2023-06-14. Review status: criteria provided, single submitter. Criteria: GeneDx Variant Classification Process June 2021. Collection method: clinical testing. Allele origin: germline. Affected: yes.
Comment: Not observed at significant frequency in large population cohorts (gnomAD); In silico analysis supports that this missense variant has a deleterious effect on protein structure/function; Has not been previously published as pathogenic or benign to our knowledge

NM_002430.3(MN1):c.3647T>G (p.Leu1216Arg)

Gene: MN1 (MN1 proto-oncogene, transcriptional regulator; minus strand). Cytogenetic location: 22q12.1.
Variant type: single nucleotide variant.
Coding change: c.3647T>G on transcript NM_002430.3 (MANE Select); coding-DNA position 3647, T replaced by G.
Protein change: p.Leu1216Arg; replaces leucine 1216 with arginine.
Molecular consequence: missense variant.
Genome position (GRCh38, 1-based): chr22:27,796,897, A>C on the plus strand (T>G on the coding strand, the complement: MN1 is on the minus strand). VCF-style: chr22-27796897-A-C. GRCh37 (hg19) VCF-style: chr22-28192885-A-C.
Other names: short protein forms L1216R.
Identifiers: ClinVar variation 3359803 (VCV003359803.1).
Genomic context (GRCh38, chr22:27,796,897, plus strand): 5'-ACCAGGGCCTTGTCAGCGGGCATGTACCAGGCAGCGCTGTGCTCTGCCATCAGCGAGTCC[A>C]GGTCAATGGTGCTCATGGCGCTCTTGACCGCCTCGGAGCAGCAGCTGCCCAGCTCGCTGT-3'
Protein context (NP_002421.3, residues 1206-1226): AVKSAMSTID[Leu1216Arg]DSLMAEHSAA